The following is an entry in ClinVar:

ClinVar aggregate classification (germline): Pathogenic (1 of 4 stars; one submission).

Conditions:
Primary ciliary dyskinesia 3. Identifiers: Orphanet 244, MedGen C1837618, MONDO:0012085, OMIM 608644.

Submission:

Myriad Genetics, Inc.
Classification: Pathogenic for Primary ciliary dyskinesia 3. Last evaluated: 2024-05-14. Review status: criteria provided, single submitter. Criteria: Myriad Autosomal Dominant, Autosomal Recessive and X-Linked Classification Criteria (2023). Collection method: clinical testing. Allele origin: unknown.
Comment: NM_001369.2(DNAH5):c.6413_6415delACAinsCT(Y2138Sfs*51) is expected to be pathogenic in the context of primary ciliary dyskinesia, DNAH5-related. This variant is predicted to lead to an abnormal or absent protein product due to the creation of a premature termination codon in DNAH5, a gene where loss-of-function variants are known to be pathogenic. Please note: this variant was assessed in the context of healthy population screening.

NM_001369.3(DNAH5):c.6413_6415delinsCT (p.Tyr2138fs)

Gene: DNAH5 (dynein axonemal heavy chain 5; minus strand). Cytogenetic location: 5p15.2.
Variant type: Indel.
Coding change: c.6413_6415delinsCT on transcript NM_001369.3 (MANE Select); coding-DNA positions 6413 to 6415, ACA replaced by CT.
Protein change: p.Tyr2138fs; shifts the reading frame from tyrosine 2138.
Molecular consequence: frameshift variant.
Genome position (GRCh38, 1-based): chr5:13,829,539-13,829,541, TGT replaced by AG on the plus strand (ACA replaced by CT on the coding strand, the reverse complement: DNAH5 is on the minus strand). VCF-style: chr5-13829539-TGT-AG. GRCh37 (hg19) VCF-style: chr5-13829648-TGT-AG.
Other names: short protein forms Y2138fs.
Identifiers: ClinVar variation 5010442 (VCV005010442.1).